The following is an entry in ClinVar:

ClinVar aggregate classification (germline): Uncertain significance (1 of 4 stars; one submission).

Submission:

GeneDx
Classification: Uncertain significance. Last evaluated: 2023-12-19. Review status: criteria provided, single submitter. Criteria: GeneDx Variant Classification Process June 2021. Collection method: clinical testing. Allele origin: germline. Affected: yes.
Comment: In silico analysis supports that this missense variant has a deleterious effect on protein structure/function; Has not been previously published as pathogenic or benign to our knowledge

NM_001127222.2(CACNA1A):c.1640A>G (p.His547Arg)

Gene: CACNA1A (calcium voltage-gated channel subunit alpha1 A; minus strand). Cytogenetic location: 19p13.13.
Variant type: single nucleotide variant.
Coding change: c.1640A>G on transcript NM_001127222.2 (MANE Select); coding-DNA position 1640, A replaced by G.
Protein change: p.His547Arg; replaces histidine 547 with arginine.
Molecular consequence: missense variant.
Genome position (GRCh38, 1-based): chr19:13,312,697, T>C on the plus strand (A>G on the coding strand, the complement: CACNA1A is on the minus strand). VCF-style: chr19-13312697-T-C. GRCh37 (hg19) VCF-style: chr19-13423511-T-C.
Other names: c.1643A>G, p.His548Arg (NM_000068.4, NM_001127221.2, NM_001174080.2 and 1 more transcripts); short protein forms H547R, H548R.
Identifiers: ClinVar variation 3370091 (VCV003370091.1).